The following is an entry in ClinVar:

NM_001164508.2(NEB):c.5436A>C (p.Arg1812Ser)

Gene: NEB (nebulin; minus strand). Cytogenetic location: 2q23.3.
Variant type: single nucleotide variant.
Coding change: c.5436A>C on transcript NM_001164508.2 (MANE Select); coding-DNA position 5436, A replaced by C.
Protein change: p.Arg1812Ser; replaces arginine 1812 with serine.
Molecular consequence: missense variant.
Genome position (GRCh38, 1-based): chr2:151,664,516, T>G on the plus strand (A>C on the coding strand, the complement: NEB is on the minus strand). VCF-style: chr2-151664516-T-G. GRCh37 (hg19) VCF-style: chr2-152521030-T-G.
Other names: c.5436A>C, p.Arg1812Ser (NM_001164507.2, NM_001271208.2, NM_004543.5); short protein forms R1812S.
Identifiers: ClinVar variation 1941993 (VCV001941993.2), dbSNP rs2552256988, ClinGen allele CA348810213.

ClinVar aggregate classification (germline): Uncertain significance (1 of 4 stars; one submission).

Conditions:
Nemaline myopathy 2 (NEM2). Also called: Nemaline myopathy 2, autosomal recessive. Identifiers: MedGen C1850569, MONDO:0009725, OMIM 256030.

Submission:

Labcorp Genetics (formerly Invitae), Labcorp
Classification: Uncertain significance for Nemaline myopathy 2. Last evaluated: 2021-04-07. Review status: criteria provided, single submitter. Criteria: Invitae Variant Classification Sherloc (09022015). Collection method: clinical testing. Allele origin: germline.
Comment: This sequence change replaces arginine with serine at codon 1812 of the NEB protein (p.Arg1812Ser). The arginine residue is moderately conserved and there is a moderate physicochemical difference between arginine and serine. This variant is not present in population databases (ExAC no frequency). This variant has not been reported in the literature in individuals with NEB-related conditions. Algorithms developed to predict the effect of missense changes on protein structure and function are either unavailable or do not agree on the potential impact of this missense change (SIFT: "Deleterious"; PolyPhen-2: "Not Available"; Align-GVGD: "Class C0"). In summary, the available evidence is currently insufficient to determine the role of this variant in disease. Therefore, it has been classified as a Variant of Uncertain Significance.